The following is an entry in ClinVar:

NM_001256789.3(CACNA1F):c.2543+4_2543+5del

Gene: CACNA1F (calcium voltage-gated channel subunit alpha1 F; minus strand). Cytogenetic location: Xp11.23.
Variant type: Deletion.
Coding change: c.2543+4_2543+5del on transcript NM_001256789.3 (MANE Select); bases 4 to 5 of the intron after coding-DNA position 2543, 2 bases deleted (AG; older notation c.2543+4_2543+5delAG).
Molecular consequence: intron variant.
Genome position (GRCh38, 1-based): chrX:49,219,629-49,219,630, CT deleted on the plus strand (AG on the coding strand, the reverse complement: CACNA1F is on the minus strand); deleting any 2 consecutive bases within chrX:49,219,629-49,219,631 gives the same sequence; the c. name uses the placement nearest the transcript's 3' end. VCF-style (leftmost placement, unchanged base first): chrX-49219628-ACT-A. GRCh37 (hg19) VCF-style: chrX-49076087-ACT-A.
Other names: c.2576+4_2576+5del (NM_005183.4); c.2381+4_2381+5del (NM_001256790.3).
Identifiers: ClinVar variation 4277359 (VCV004277359.2).

ClinVar aggregate classification (germline): Conflicting classifications of pathogenicity. Review status: criteria provided, conflicting classifications (1 of 4 stars). 2 submissions from 2 submitters: Pathogenic (1); Uncertain significance (1). Last evaluated 2025-08-07.

Conditions:
Retinal disorder. Also called: Retinopathy; Retinopathies; Retinal Diseases; Retinal disorders. Identifiers: MedGen C0035309, MONDO:0005283, HP:0000488.

Submissions (2):

Genetics Laboratory, Great Ormond Street Hospital NHS Foundation Trust, North Thames Genomic Laboratory Hub
Classification: Pathogenic for Retinal disorders. Last evaluated: 2025-08-07. Review status: criteria provided, single submitter. Criteria: ACGS Best Practice Guidelines for Variant Classification in Rare Disease 2024 v1.2. Collection method: clinical testing. Allele origin: germline. Affected: yes.
Comment: PM2_moderate, PVS1_strong, PP1_strong, PP4_supporting

Blueprint Genetics
Classification: Uncertain significance. Last evaluated: 2023-03-07. Review status: criteria provided, single submitter. Criteria: ACMG Guidelines, 2015. Collection method: clinical testing. Allele origin: germline.